The following is an entry in ClinVar:

ClinVar aggregate classification (germline): Pathogenic (1 of 4 stars; one submission).

Conditions:
Neurodevelopmental disorder. Identifiers: MedGen C1535926, MeSH D065886, MONDO:0700092.

Submission:

Laboratory of Molecular Genetics (Pr. Bezieau's lab), CHU de Nantes
Classification: Pathogenic for Neurodevelopmental disorder. Last evaluated: 2026-05-27. Review status: criteria provided, single submitter. Criteria: ACMG Guidelines, 2015. Collection method: clinical testing. Allele origin: de novo. Inheritance: Autosomal dominant inheritance. Affected: yes. Observed: 1 variant allele, 1 heterozygote.
Comment: Evidence for loss of function/haploinsufficiency being pathogenic in PMID: 41415500. ACMG criteria: PVS1, PS2, PM2. Protein change: p.(Leu290*).

Literature cited by the submitters: PubMed 41415500.

NM_006196.4(PCBP1):c.869T>G (p.Leu290Ter)

Gene: PCBP1 (poly(rC) binding protein 1; plus strand). Cytogenetic location: 2p13.3.
Variant type: single nucleotide variant.
Coding change: c.869T>G on transcript NM_006196.4 (MANE Select); coding-DNA position 869, T replaced by G.
Protein change: p.Leu290Ter; replaces leucine 290 with a stop codon.
Molecular consequence: nonsense.
Genome position (GRCh38, 1-based): chr2:70,088,612, T>G. VCF-style: chr2-70088612-T-G. GRCh37 (hg19) VCF-style: chr2-70315744-T-G.
Other names: short protein forms L290*.
Identifiers: ClinVar variation 4852562 (VCV004852562.1).